The following is an entry in ClinVar:

ClinVar aggregate classification (germline): Pathogenic. Review status: reviewed by expert panel (3 of 4 stars). 2 submissions from 2 submitters: Pathogenic (1). 1 of the submissions does not count toward it. Last evaluated 2016-09-08.

Conditions:
Breast-ovarian cancer, familial, susceptibility to, 2 (BROVCA2). Also called: BRCA2 Hereditary Breast and Ovarian Cancer. Identifiers: Orphanet 145, MedGen C2675520, MONDO:0012933, OMIM 612555. Disease mechanism: loss of function.

Submissions (2):

Evidence-based Network for the Interpretation of Germline Mutant Alleles (ENIGMA)
Classification: Pathogenic for Breast-ovarian cancer, familial, susceptibility to, 2. Last evaluated: 2016-09-08. Review status: reviewed by expert panel. Criteria: ENIGMA BRCA1/2 Classification Criteria (2015). Collection method: curation. Allele origin: germline.
Comment: Variant allele predicted to encode a truncated non-functional protein.

Consortium of Investigators of Modifiers of BRCA1/2 (CIMBA), c/o University of Cambridge
Classification: Pathogenic for Breast-ovarian cancer, familial, susceptibility to, 2. Last evaluated: 2015-10-02. Review status: criteria provided, single submitter. Criteria: CIMBA Mutation Classification guidelines May 2016. Collection method: clinical testing. Allele origin: germline. Not counted in ClinVar's aggregate classification.

NM_000059.4(BRCA2):c.5564C>A (p.Ser1855Ter)

Gene: BRCA2 (BRCA2 DNA repair associated; plus strand). Cytogenetic location: 13q13.1.
Variant type: single nucleotide variant.
Coding change: c.5564C>A on transcript NM_000059.4 (MANE Select); coding-DNA position 5564, C replaced by A.
Protein change: p.Ser1855Ter; replaces serine 1855 with a stop codon.
Molecular consequence: nonsense.
Genome position (GRCh38, 1-based): chr13:32,339,919, C>A. VCF-style: chr13-32339919-C-A. GRCh37 (hg19) VCF-style: chr13-32914056-C-A.
Other names: short protein forms S1855*.
Identifiers: ClinVar variation 254559 (VCV000254559.3), dbSNP rs886038125, ClinGen allele CA10586542.
Genomic context (GRCh38, chr13:32,339,919, plus strand): 5'-ATAATTTTGAGGTAGGGCCACCTGCATTTAGGATAGCCAGTGGTAAAATCGTTTGTGTTT[C>A]ACATGAAACAATTAAAAAAGTGAAAGACATATTTACAGACAGTTTCAGTAAAGTAATTAA-3'